The following is an entry in ClinVar:

ClinVar aggregate classification (germline): Uncertain significance (1 of 4 stars; one submission).

Conditions:
Combined immunodeficiency due to DOCK8 deficiency (HIES2). Also called: HIES autosomal recessive; HYPER-IgE SYNDROME 2, AUTOSOMAL RECESSIVE, WITH RECURRENT INFECTIONS; HYPER-IgE RECURRENT INFECTION SYNDROME 2, AUTOSOMAL RECESSIVE; DOCK8 Deficiency; Hyper-IgE recurrent infection syndrome, autosomal recessive. Identifiers: Orphanet 217390, MedGen C4722305, MONDO:0009478, OMIM 243700.

Allele frequency attached by ClinVar (database versions not stated): ExAC 0.00001; gnomAD 0.00001; TOPMed 0.00001; ESP Exome Variant Server 0.00008.
gnomAD v4.1: 1 of 1,614,066 alleles (0.000062%); highest among the groups gnomAD compares: African/African-American, 0.0013%; no homozygotes.

Submission:

Labcorp Genetics (formerly Invitae), Labcorp
Classification: Uncertain significance for Combined immunodeficiency due to DOCK8 deficiency. Last evaluated: 2023-01-06. Review status: criteria provided, single submitter. Criteria: Invitae Variant Classification Sherloc (09022015). Collection method: clinical testing. Allele origin: germline.
Comment: This sequence change replaces lysine, which is basic and polar, with glutamine, which is neutral and polar, at codon 634 of the DOCK8 protein (p.Lys634Gln). This variant is present in population databases (rs370257544, gnomAD 0.007%). This variant has not been reported in the literature in individuals affected with DOCK8-related conditions. Advanced modeling of protein sequence and biophysical properties (such as structural, functional, and spatial information, amino acid conservation, physicochemical variation, residue mobility, and thermodynamic stability) performed at Invitae indicates that this missense variant is not expected to disrupt DOCK8 protein function. In summary, the available evidence is currently insufficient to determine the role of this variant in disease. Therefore, it has been classified as a Variant of Uncertain Significance.

NM_203447.4(DOCK8):c.1900A>C (p.Lys634Gln)

Gene: DOCK8 (dedicator of cytokinesis 8; plus strand). Cytogenetic location: 9p24.3.
Variant type: single nucleotide variant.
Coding change: c.1900A>C on transcript NM_203447.4 (MANE Select); coding-DNA position 1900, A replaced by C.
Protein change: p.Lys634Gln; replaces lysine 634 with glutamine.
Molecular consequence: missense variant.
Genome position (GRCh38, 1-based): chr9:371,459, A>C. VCF-style: chr9-371459-A-C. GRCh37 (hg19) VCF-style: chr9-371459-A-C.
Other names: c.1696A>C, p.Lys566Gln (NM_001190458.2, NM_001193536.2); short protein forms K566Q, K634Q.
Identifiers: ClinVar variation 2957600 (VCV002957600.3), dbSNP rs370257544, ClinGen allele CA4957998.